The following is an entry in ClinVar:

NM_001080449.3(DNA2):c.1544G>C (p.Gly515Ala)

Gene: DNA2 (DNA replication helicase/nuclease 2; minus strand). Cytogenetic location: 10q21.3.
Variant type: single nucleotide variant.
Coding change: c.1544G>C on transcript NM_001080449.3 (MANE Select); coding-DNA position 1544, G replaced by C.
Protein change: p.Gly515Ala; replaces glycine 515 with alanine.
Molecular consequence: missense variant. On other transcripts: non-coding transcript variant (1).
Genome position (GRCh38, 1-based): chr10:68,437,113, C>G on the plus strand (G>C on the coding strand, the complement: DNA2 is on the minus strand). VCF-style: chr10-68437113-C-G. GRCh37 (hg19) VCF-style: chr10-70196870-C-G.
Other names: short protein forms G515A.
Identifiers: ClinVar variation 1929776 (VCV001929776.5), dbSNP rs773305364, ClinGen allele CA376860078.
Genomic context (GRCh38, chr10:68,437,113, plus strand): 5'-ACATATCCTCTAGACAAAGCAAACAGTGACCTTTCTTCTCCACTTACAATAACTCTGTCA[C>G]CTGCCATTAGATTTGTGACAGGTATGGCACCATGTTTACATTGGAAATTATGTAAATATT-3'
Protein context (NP_001073918.2, residues 505-525): GAIPVTNLMA[Gly515Ala]DRVIVSGEER

ClinVar aggregate classification (germline): Uncertain significance (1 of 4 stars; one submission).

Submission:

Labcorp Genetics (formerly Invitae), Labcorp
Classification: Uncertain significance. Last evaluated: 2022-08-07. Review status: criteria provided, single submitter. Criteria: Invitae Variant Classification Sherloc (09022015). Collection method: clinical testing. Allele origin: germline.
Comment: This variant has not been reported in the literature in individuals affected with DNA2-related conditions. In summary, the available evidence is currently insufficient to determine the role of this variant in disease. Therefore, it has been classified as a Variant of Uncertain Significance. Algorithms developed to predict the effect of missense changes on protein structure and function are either unavailable or do not agree on the potential impact of this missense change (SIFT: "Deleterious"; PolyPhen-2: "Not Available"; Align-GVGD: "Class C0"). This sequence change replaces glycine, which is neutral and non-polar, with alanine, which is neutral and non-polar, at codon 515 of the DNA2 protein (p.Gly515Ala). This variant is not present in population databases (gnomAD no frequency).